The following is an entry in ClinVar:

ClinVar aggregate classification (germline): Uncertain significance (1 of 4 stars; one submission).

Conditions:
Polycystic kidney disease, adult type (PKD1). Also called: POLYCYSTIC KIDNEY DISEASE, ADULT, TYPE I; Polycystic Kidney Disease 1, Autosomal Dominant; Polycystic kidney disease 1; Polycystic kidney disease 1, severe; Polycystic Kidney, Autosomal Dominant; POLYCYSTIC KIDNEY DISEASE 1 WITH OR WITHOUT POLYCYSTIC LIVER DISEASE. Identifiers: MedGen C3149841, MONDO:0008263, OMIM 173900.

Submission:

Juno Genomics, Hangzhou Juno Genomics, Inc
Classification: Uncertain significance for Polycystic kidney disease, adult type. Review status: criteria provided, single submitter. Criteria: ACMG Guidelines, 2015. Collection method: clinical testing. Allele origin: germline. Affected: yes.
Comment: Absent from controls (or at extremely low frequency if recessive) in Genome Aggregation Database, Exome Sequencing Project, 1000 Genomes Project, or Exome Aggregation Consortium.;Multiple lines of computational evidence support a deleterious effect on the gene or gene product (conservation, evolutionary, splicing impact, etc).;Patient's phenotype or family history is highly specific for a disease with a single genetic etiology.

NM_001009944.3(PKD1):c.3161+6T>G

Gene: PKD1 (polycystin 1, transient receptor potential channel interacting; minus strand). Cytogenetic location: 16p13.3.
Variant type: single nucleotide variant.
Coding change: c.3161+6T>G on transcript NM_001009944.3 (MANE Select); 6 bases into the intron after coding-DNA position 3161, T replaced by G.
Molecular consequence: intron variant.
Genome position (GRCh38, 1-based): chr16:2,112,782, A>C on the plus strand (T>G on the coding strand, the complement: PKD1 is on the minus strand). VCF-style: chr16-2112782-A-C. GRCh37 (hg19) VCF-style: chr16-2162783-A-C.
Other names: c.3161+6T>G (NM_000296.4).
Identifiers: ClinVar variation 3383108 (VCV003383108.2).